The following is an entry in ClinVar:

ClinVar aggregate classification (germline): Uncertain significance (1 of 4 stars; one submission).

Allele frequency attached by ClinVar (database versions not stated): gnomAD exomes below 0.00001 and 0.00001; TOPMed below 0.00001.
gnomAD v4.1: 14 of 1,614,144 alleles (0.00087%); highest among the groups gnomAD compares: Non-Finnish European, 0.0011%; no homozygotes.

Submission:

Labcorp Genetics (formerly Invitae), Labcorp
Classification: Uncertain significance. Last evaluated: 2022-03-10. Review status: criteria provided, single submitter. Criteria: Invitae Variant Classification Sherloc (09022015). Collection method: clinical testing. Allele origin: germline.
Comment: This sequence change replaces asparagine, which is neutral and polar, with isoleucine, which is neutral and non-polar, at codon 688 of the ABCA4 protein (p.Asn688Ile). In summary, the available evidence is currently insufficient to determine the role of this variant in disease. Therefore, it has been classified as a Variant of Uncertain Significance. Advanced modeling of protein sequence and biophysical properties (such as structural, functional, and spatial information, amino acid conservation, physicochemical variation, residue mobility, and thermodynamic stability) performed at Invitae indicates that this missense variant is not expected to disrupt ABCA4 protein function. ClinVar contains an entry for this variant (Variation ID: 1044396). This variant has not been reported in the literature in individuals affected with ABCA4-related conditions. This variant is not present in population databases (gnomAD no frequency).

NM_000350.3(ABCA4):c.2063A>T (p.Asn688Ile)

Gene: ABCA4 (ATP binding cassette subfamily A member 4; minus strand). Cytogenetic location: 1p22.1.
Variant type: single nucleotide variant.
Coding change: c.2063A>T on transcript NM_000350.3 (MANE Select); coding-DNA position 2063, A replaced by T.
Protein change: p.Asn688Ile; replaces asparagine 688 with isoleucine.
Molecular consequence: missense variant.
Genome position (GRCh38, 1-based): chr1:94,060,634, T>A on the plus strand (A>T on the coding strand, the complement: ABCA4 is on the minus strand). VCF-style: chr1-94060634-T-A. GRCh37 (hg19) VCF-style: chr1-94526190-T-A.
Other names: c.2063A>T, p.Asn688Ile (NM_001425324.1); short protein forms N688I.
Identifiers: ClinVar variation 1044396 (VCV001044396.8), dbSNP rs1557786289, ClinGen allele CA341278623.
Genomic context (GRCh38, chr1:94,060,634, plus strand): 5'-ATGATGGAGAAGCTGTCCAGGAACCAGGTACACCAAATCACTGCATTGGAGACACCCTGA[T>A]TTTTCAAGGTCTCCTTCAGTCGCAACTCCTTCTCCAAGACGATGCTCTTCACAGTCATGG-3'
Protein context (NP_000341.2, residues 678-698): KELRLKETLK[Asn688Ile]QGVSNAVIWC